The following is an entry in ClinVar:

ClinVar aggregate classification (germline): Likely benign. Review status: criteria provided, multiple submitters, no conflicts (2 of 4 stars). 4 submissions from 4 submitters: Likely benign (4). Last evaluated 2024-10-21.

Conditions:
Inborn genetic diseases. Identifiers: MedGen C0950123, MeSH D030342.

Allele frequency attached by ClinVar (database versions not stated): gnomAD 0.00004 and 0.00007; TOPMed 0.00008; 1000 Genomes Project 30x 0.00016; gnomAD exomes 0.00018; 1000 Genomes Project 0.00020; ExAC 0.00022.
gnomAD v4.1: 223 of 1,613,906 alleles (0.014%); highest among the groups gnomAD compares: South Asian, 0.076%; 1 homozygote.

Submissions (4):

Blueprint Genetics
Classification: Likely benign. Last evaluated: 2024-10-21. Review status: criteria provided, single submitter. Criteria: ACMG Guidelines, 2015. Collection method: clinical testing. Allele origin: germline.

Labcorp Genetics (formerly Invitae), Labcorp
Classification: Likely benign. Last evaluated: 2023-09-18. Review status: criteria provided, single submitter. Criteria: Invitae Variant Classification Sherloc (09022015). Collection method: clinical testing. Allele origin: germline.

CeGaT Center for Human Genetics Tuebingen
Classification: Likely benign. Last evaluated: 2022-05-01. Review status: criteria provided, single submitter. Criteria: CeGaT Center For Human Genetics Tuebingen Variant Classification Criteria Version 2. Collection method: clinical testing. Allele origin: germline. Affected: yes. Observed: 1 variant allele.
Comment: MAGEL2: BP4

Ambry Genetics
Classification: Likely benign for Inborn genetic diseases. Last evaluated: 2021-10-30. Review status: criteria provided, single submitter. Criteria: Ambry Variant Classification Scheme 2023. Collection method: clinical testing. Allele origin: germline.

NM_019066.5(MAGEL2):c.3388G>A (p.Asp1130Asn)

Gene: MAGEL2 (MAGE family member L2; minus strand). Cytogenetic location: 15q11.2.
Variant type: single nucleotide variant.
Coding change: c.3388G>A on transcript NM_019066.5 (MANE Select); coding-DNA position 3388, G replaced by A.
Protein change: p.Asp1130Asn; replaces aspartic acid 1130 with asparagine.
Molecular consequence: missense variant.
Genome position (GRCh38, 1-based): chr15:23,644,355, C>T on the plus strand (G>A on the coding strand, the complement: MAGEL2 is on the minus strand). VCF-style: chr15-23644355-C-T. GRCh37 (hg19) VCF-style: chr15-23889502-C-T.
Other names: c.3388G>A (NM_019066.4); short protein forms D1130N.
Identifiers: ClinVar variation 1694731 (VCV001694731.38), dbSNP rs189907574, ClinGen allele CA7429702.